The following is an entry in ClinVar:

NM_002906.4(RDX):c.6G>A (p.Pro2=)

Gene: RDX (radixin; minus strand). Cytogenetic location: 11q22.3.
Variant type: single nucleotide variant.
Coding change: c.6G>A on transcript NM_002906.4 (MANE Select); coding-DNA position 6, G replaced by A.
Protein change: p.Pro2=; no amino-acid change (proline 2 retained).
Molecular consequence: synonymous variant. On other transcripts: 5 prime UTR variant (2).
Genome position (GRCh38, 1-based): chr11:110,279,687, C>T on the plus strand (G>A on the coding strand, the complement: RDX is on the minus strand). VCF-style: chr11-110279687-C-T. GRCh37 (hg19) VCF-style: chr11-110150412-C-T.
Other names: c.6G>A, p.Pro2= (NM_001260492.2, NM_001260493.2, NM_001260496.2); c.-32G>A (NM_001260494.2); c.-89G>A (NM_001260495.2).
Identifiers: ClinVar variation 877232 (VCV000877232.37), dbSNP rs202177331, ClinGen allele CA6270453.

ClinVar aggregate classification (germline): Conflicting classifications of pathogenicity. Review status: criteria provided, conflicting classifications (1 of 4 stars). 6 submissions from 6 submitters: Uncertain significance (1); Likely benign (4). 1 of the submissions does not count toward it. Last evaluated 2025-11-23.

Conditions:
RDX-related disorder. Also called: RDX-related condition.
Autosomal recessive nonsyndromic hearing loss 24. Identifiers: Orphanet 90636, MedGen C1970239, MONDO:0012602, OMIM 611022.

Allele frequency attached by ClinVar (database versions not stated): ESP Exome Variant Server 0.00008; gnomAD exomes 0.00008 and 0.00018; gnomAD 0.00011 and 0.00013; TOPMed 0.00015; ExAC 0.00016; 1000 Genomes Project 30x 0.00062; 1000 Genomes Project 0.00080.
gnomAD v4.1: 141 of 1,525,896 alleles (0.0092%); highest among the groups gnomAD compares: East Asian, 0.072%; no homozygotes.

Submissions (6):

Labcorp Genetics (formerly Invitae), Labcorp
Classification: Likely benign. Last evaluated: 2025-11-23. Review status: criteria provided, single submitter. Criteria: Invitae Variant Classification Sherloc (09022015). Collection method: clinical testing. Allele origin: germline.

Blueprint Genetics
Classification: Likely benign. Last evaluated: 2024-10-28. Review status: criteria provided, single submitter. Criteria: ACMG Guidelines, 2015. Collection method: clinical testing. Allele origin: germline.

CeGaT Center for Human Genetics Tuebingen
Classification: Likely benign. Last evaluated: 2022-11-01. Review status: criteria provided, single submitter. Criteria: CeGaT Center For Human Genetics Tuebingen Variant Classification Criteria Version 2. Collection method: clinical testing. Allele origin: germline. Affected: yes. Observed: 1 variant allele.
Comment: RDX: BP4, BP7

GeneDx
Classification: Likely benign. Last evaluated: 2020-04-20. Review status: criteria provided, single submitter. Criteria: GeneDx Variant Classification Process June 2021. Collection method: clinical testing. Allele origin: germline. Affected: yes.

Illumina Laboratory Services, Illumina
Classification: Uncertain significance for Autosomal recessive nonsyndromic hearing loss 24. Last evaluated: 2018-01-12. Review status: criteria provided, single submitter. Criteria: ICSL Variant Classification Criteria 13 December 2019. Collection method: clinical testing. Allele origin: germline.

PreventionGenetics, part of Exact Sciences
Classification: Likely benign for RDX-related condition. Last evaluated: 2019-06-24. Review status: no assertion criteria provided. Collection method: clinical testing. Allele origin: germline. Not counted in ClinVar's aggregate classification.
Comment: This variant is classified as likely benign based on ACMG/AMP sequence variant interpretation guidelines (Richards et al. 2015 PMID: 25741868, with internal and published modifications).